The following is an entry in ClinVar:

ClinVar aggregate classification (germline): Pathogenic (1 of 4 stars; one submission).

Conditions:
Immunodeficiency, common variable, 7. Identifiers: Orphanet 1572, Orphanet 696894, MedGen C3542922, MONDO:0013862, OMIM 614699.

Submission:

Labcorp Genetics (formerly Invitae), Labcorp
Classification: Pathogenic for Immunodeficiency, common variable, 7. Last evaluated: 2022-07-19. Review status: criteria provided, single submitter. Criteria: Invitae Variant Classification Sherloc (09022015). Collection method: clinical testing. Allele origin: germline.
Comment: For these reasons, this variant has been classified as Pathogenic. ClinVar contains an entry for this variant (Variation ID: 646540). This variant has not been reported in the literature in individuals affected with CR2-related conditions. This variant is not present in population databases (gnomAD no frequency). This sequence change creates a premature translational stop signal (p.Lys81Asnfs*15) in the CR2 gene. It is expected to result in an absent or disrupted protein product. Loss-of-function variants in CR2 are known to be pathogenic (PMID: 26325596, 28499783).

Literature cited by the submitters: PubMed 26325596; PubMed 28499783.

NM_001006658.3(CR2):c.243del (p.Lys81fs)

Gene: CR2 (complement C3d receptor 2; plus strand). Cytogenetic location: 1q32.2.
Variant type: Deletion.
Coding change: c.243del on transcript NM_001006658.3 (MANE Select); coding-DNA position 243, one base deleted (A; older notation c.243delA).
Protein change: p.Lys81fs; shifts the reading frame from lysine 81.
Molecular consequence: frameshift variant.
Genome position (GRCh38, 1-based): chr1:207,466,710, A deleted; the last of 3 consecutive A bases (chr1:207,466,708-207,466,710); deleting any one gives the same sequence. VCF-style (leftmost placement, unchanged base first): chr1-207466707-TA-T. GRCh37 (hg19) VCF-style: chr1-207640052-TA-T.
Other names: c.243delA (NM_001006658.2); c.243del, p.Lys81fs (NM_001877.5); short protein forms K81fs.
Identifiers: ClinVar variation 646540 (VCV000646540.6), dbSNP rs1572950925, ClinGen allele CA915941998.
Genomic context (GRCh38, chr1:207,466,707, plus strand): 5'-AAAAAGTCTATTATGCATAACTAAAGACAAAGTGGATGGAACCTGGGATAAACCTGCTCC[TA>T]AATGTGAATATTTCAATAAATATTCTTCTTGCCCTGAGCCCATAGTACCAGGAGGATACA-3'